The following is an entry in ClinVar:

NM_000037.4(ANK1):c.4644C>T (p.Asp1548=)

Gene: ANK1 (ankyrin 1; minus strand). Cytogenetic location: 8p11.21.
Variant type: single nucleotide variant.
Coding change: c.4644C>T on transcript NM_000037.4 (MANE Select); coding-DNA position 4644, C replaced by T.
Protein change: p.Asp1548=; no amino-acid change (aspartic acid 1548 retained).
Molecular consequence: synonymous variant. On other transcripts: intron variant (1).
Genome position (GRCh38, 1-based): chr8:41,672,806, G>A on the plus strand (C>T on the coding strand, the complement: ANK1 is on the minus strand). VCF-style: chr8-41672806-G-A. GRCh37 (hg19) VCF-style: chr8-41530324-G-A.
Other names: c.4767C>T, p.Asp1589= (NM_001142446.2); c.4644C>T, p.Asp1548= (NM_020475.3, NM_020476.3); c.4538-380C>T (NM_020477.3).
Identifiers: ClinVar variation 3389386 (VCV003389386.14).

ClinVar aggregate classification (germline): Likely benign (1 of 4 stars; one submission).

gnomAD v4.1: 19 of 1,607,564 alleles (0.0012%); highest among the groups gnomAD compares: Middle Eastern, 0.017%; no homozygotes.

Submission:

CeGaT Center for Human Genetics Tuebingen
Classification: Likely benign. Last evaluated: 2024-10-01. Review status: criteria provided, single submitter. Criteria: CeGaT Center For Human Genetics Tuebingen Variant Classification Criteria Version 2. Collection method: clinical testing. Allele origin: germline. Affected: yes. Observed: 1 variant allele.
Comment: ANK1: BP4, BP7